The following is an entry in ClinVar:

ClinVar aggregate classification (germline): Likely pathogenic (1 of 4 stars; one submission).

Conditions:
Loeys-Dietz syndrome 1 (LDS1). Also called: TGFBR1-Related Loeys-Dietz Syndrome; FURLONG SYNDROME; AORTIC ANEURYSM, FAMILIAL THORACIC 5. Identifiers: Orphanet 60030, MedGen C4551955, MONDO:0012212, OMIM 609192.

Submission:

Regional Center For Medical Genetics Timis, Louis Turcanu Emergency Hospital for Children Timisoara
Classification: Likely pathogenic for Loeys-Dietz syndrome 1. Last evaluated: 2024-03-27. Review status: criteria provided, single submitter. Criteria: ACMG Guidelines, 2015. Collection method: research. Allele origin: germline. Affected: yes. Observed: 1 heterozygote.
Comment: The missense variant is not present in the population databases (gnomAD v4.0.0 genomes and exomes). The variant is located in the protein kinase domain, in a region known for missense variant intolerance. Multiple in silico predictions support pathogenity. The amino acid residue is known to be disrupted by multiple missense variants. At least one missense variant was classified as pathogenic (LOVD Variant #0000499182). In summary, the variant was classified as likely pathogenic, according to ACMG guidelines.

NM_004612.4(TGFBR1):c.650G>A (p.Gly217Glu)

Gene: TGFBR1 (transforming growth factor beta receptor 1; plus strand). Cytogenetic location: 9q22.33.
Variant type: single nucleotide variant.
Coding change: c.650G>A on transcript NM_004612.4 (MANE Select); coding-DNA position 650, G replaced by A.
Protein change: p.Gly217Glu; replaces glycine 217 with glutamic acid.
Molecular consequence: missense variant. On other transcripts: non-coding transcript variant (4), intron variant (2).
Genome position (GRCh38, 1-based): chr9:99,137,934, G>A. VCF-style: chr9-99137934-G-A. GRCh37 (hg19) VCF-style: chr9-101900216-G-A.
Other names: c.419G>A, p.Gly140Glu (NM_001130916.3); c.662G>A, p.Gly221Glu (NM_001306210.2, NM_001407416.1); c.650G>A, p.Gly217Glu (NM_001407417.1); c.455G>A, p.Gly152Glu (NM_001407418.1, NM_001407419.1, NM_001407420.1 and 1 more transcripts); c.443G>A, p.Gly148Glu (NM_001407423.1, NM_001407424.1, NM_001407425.1 and 8 more transcripts); c.575-4602G>A (NM_001407435.1); c.98-4602G>A (NM_001407437.1); c.404G>A, p.Gly135Glu (NM_001407436.1); and 1 more; short protein forms G135E, G140E, G148E, G152E, G217E, G221E, G58E.
Identifiers: ClinVar variation 3075667 (VCV003075667.2), dbSNP rs2118712174, ClinGen allele CA374229564.